The following is an entry in ClinVar:

NM_016013.4(NDUFAF1):c.791G>A (p.Arg264Gln)

Gene: NDUFAF1 (NADH:ubiquinone oxidoreductase complex assembly factor 1; minus strand). Cytogenetic location: 15q15.1.
Variant type: single nucleotide variant.
Coding change: c.791G>A on transcript NM_016013.4 (MANE Select); coding-DNA position 791, G replaced by A.
Protein change: p.Arg264Gln; replaces arginine 264 with glutamine.
Molecular consequence: missense variant. On other transcripts: non-coding transcript variant (1).
Genome position (GRCh38, 1-based): chr15:41,388,491, C>T on the plus strand (G>A on the coding strand, the complement: NDUFAF1 is on the minus strand). VCF-style: chr15-41388491-C-T. GRCh37 (hg19) VCF-style: chr15-41680689-C-T.
Other names: short protein forms R264Q.
Identifiers: ClinVar variation 2414116 (VCV002414116.6), dbSNP rs761275085, ClinGen allele CA7491239.
Genomic context (GRCh38, chr15:41,388,491, plus strand): 5'-ATACAGGAATATGTTACCTTATCAAGCGGAAGCTCATGCTGAACATCCCGGATTCTTCCT[C>T]GATTAGAGAAGAAAAATTTGGAAAAAGGAATCTGAAAGAAGAAACCATTTACTTCATAAC-3'
Protein context (NP_057097.2, residues 254-274): IPFSKFFFSN[Arg264Gln]GRIRDVQHEL

ClinVar aggregate classification (germline): Uncertain significance (1 of 4 stars; one submission).

Allele frequency attached by ClinVar (database versions not stated): gnomAD 0.00001; TOPMed 0.00001; ExAC 0.00002; gnomAD exomes 0.00002.
gnomAD v4.1: 24 of 1,612,528 alleles (0.0015%); highest among the groups gnomAD compares: South Asian, 0.014%; no homozygotes.

Submission:

Labcorp Genetics (formerly Invitae), Labcorp
Classification: Uncertain significance. Last evaluated: 2022-08-16. Review status: criteria provided, single submitter. Criteria: Invitae Variant Classification Sherloc (09022015). Collection method: clinical testing. Allele origin: germline.
Comment: In summary, the available evidence is currently insufficient to determine the role of this variant in disease. Therefore, it has been classified as a Variant of Uncertain Significance. Algorithms developed to predict the effect of sequence changes on RNA splicing suggest that this variant may create or strengthen a splice site. Algorithms developed to predict the effect of missense changes on protein structure and function output the following: SIFT: "Tolerated"; PolyPhen-2: "Benign"; Align-GVGD: "Class C0". The glutamine amino acid residue is found in multiple mammalian species, which suggests that this missense change does not adversely affect protein function. This variant has not been reported in the literature in individuals affected with NDUFAF1-related conditions. This variant is present in population databases (rs761275085, gnomAD 0.02%). This sequence change replaces arginine, which is basic and polar, with glutamine, which is neutral and polar, at codon 264 of the NDUFAF1 protein (p.Arg264Gln).